The following is an entry in ClinVar:

NM_001039141.3(TRIOBP):c.6043A>G (p.Thr2015Ala)

Gene: TRIOBP (TRIO and F-actin binding protein; plus strand). Cytogenetic location: 22q13.1.
Variant type: single nucleotide variant.
Coding change: c.6043A>G on transcript NM_001039141.3 (MANE Select); coding-DNA position 6043, A replaced by G.
Protein change: p.Thr2015Ala; replaces threonine 2015 with alanine.
Molecular consequence: missense variant.
Genome position (GRCh38, 1-based): chr22:37,757,968, A>G. VCF-style: chr22-37757968-A-G. GRCh37 (hg19) VCF-style: chr22-38153975-A-G.
Other names: c.904A>G, p.Thr302Ala (NM_007032.5, NM_138632.2); short protein forms T302A, T2015A.
Identifiers: ClinVar variation 3662464 (VCV003662464.2).

ClinVar aggregate classification (germline): Uncertain significance (1 of 4 stars; one submission).

Submission:

Labcorp Genetics (formerly Invitae), Labcorp
Classification: Uncertain significance. Last evaluated: 2024-09-03. Review status: criteria provided, single submitter. Criteria: Invitae Variant Classification Sherloc (09022015). Collection method: clinical testing. Allele origin: germline.
Comment: This sequence change replaces threonine, which is neutral and polar, with alanine, which is neutral and non-polar, at codon 2015 of the TRIOBP protein (p.Thr2015Ala). This variant is not present in population databases (gnomAD no frequency). This variant has not been reported in the literature in individuals affected with TRIOBP-related conditions. An algorithm developed to predict the effect of missense changes on protein structure and function (PolyPhen-2) suggests that this variant is likely to be disruptive. In summary, the available evidence is currently insufficient to determine the role of this variant in disease. Therefore, it has been classified as a Variant of Uncertain Significance.